The following is an entry in ClinVar:

ClinVar aggregate classification (germline): Uncertain significance (1 of 4 stars; one submission).

Conditions:
3-methylcrotonyl-CoA carboxylase 1 deficiency (MCC1D). Also called: MCC 1 deficiency; 3 Alpha methylcrotonylglycinuria 1; MCCD TYPE 1; METHYLCROTONYLGLYCINURIA TYPE I. Identifiers: Orphanet 6, MedGen CN028786, MONDO:0008861, OMIM 210200.

Submission:

Labcorp Genetics (formerly Invitae), Labcorp
Classification: Uncertain significance for 3-methylcrotonyl-CoA carboxylase 1 deficiency. Last evaluated: 2025-07-28. Review status: criteria provided, single submitter. Criteria: Invitae Variant Classification Sherloc (09022015). Collection method: clinical testing. Allele origin: germline.
Comment: This sequence change replaces arginine, which is basic and polar, with lysine, which is basic and polar, at codon 57 of the MCCC1 protein (p.Arg57Lys). This variant is not present in population databases (gnomAD no frequency). This variant has not been reported in the literature in individuals affected with MCCC1-related conditions. ClinVar contains an entry for this variant (Variation ID: 2976912). Invitae Evidence Modeling of protein sequence and biophysical properties (such as structural, functional, and spatial information, amino acid conservation, physicochemical variation, residue mobility, and thermodynamic stability) indicates that this missense variant is expected to disrupt MCCC1 protein function with a positive predictive value of 95%. In summary, the available evidence is currently insufficient to determine the role of this variant in disease. Therefore, it has been classified as a Variant of Uncertain Significance.

NM_020166.5(MCCC1):c.170G>A (p.Arg57Lys)

Gene: MCCC1 (methylcrotonyl-CoA carboxylase subunit 1; minus strand). Cytogenetic location: 3q27.1.
Variant type: single nucleotide variant.
Coding change: c.170G>A on transcript NM_020166.5 (MANE Select); coding-DNA position 170, G replaced by A.
Protein change: p.Arg57Lys; replaces arginine 57 with lysine.
Molecular consequence: missense variant. On other transcripts: non-coding transcript variant (1), intron variant (2).
Genome position (GRCh38, 1-based): chr3:183,092,512, C>T on the plus strand (G>A on the coding strand, the complement: MCCC1 is on the minus strand). VCF-style: chr3-183092512-C-T. GRCh37 (hg19) VCF-style: chr3-182810300-C-T.
Other names: c.-55+2047G>A (NM_001363880.1); c.44+2047G>A (NM_001293273.2); short protein forms R57K.
Identifiers: ClinVar variation 2976912 (VCV002976912.3), dbSNP rs2530510608, ClinGen allele CA355321821.